The following is an entry in ClinVar:

ClinVar aggregate classification (germline): Uncertain significance (1 of 4 stars; one submission).

Submission:

Labcorp Genetics (formerly Invitae), Labcorp
Classification: Uncertain significance. Last evaluated: 2022-12-09. Review status: criteria provided, single submitter. Criteria: Invitae Variant Classification Sherloc (09022015). Collection method: clinical testing. Allele origin: germline.
Comment: This sequence change replaces lysine, which is basic and polar, with glutamic acid, which is acidic and polar, at codon 1903 of the RAI1 protein (p.Lys1903Glu). This variant is not present in population databases (gnomAD no frequency). This variant has not been reported in the literature in individuals affected with RAI1-related conditions. Algorithms developed to predict the effect of missense changes on protein structure and function are either unavailable or do not agree on the potential impact of this missense change (SIFT: "Deleterious"; PolyPhen-2: "Benign"; Align-GVGD: "Class C55"). In summary, the available evidence is currently insufficient to determine the role of this variant in disease. Therefore, it has been classified as a Variant of Uncertain Significance.

NM_030665.4(RAI1):c.5707A>G (p.Lys1903Glu)

Gene: RAI1 (retinoic acid induced 1; plus strand). Cytogenetic location: 17p11.2.
Variant type: single nucleotide variant.
Coding change: c.5707A>G on transcript NM_030665.4 (MANE Select); coding-DNA position 5707, A replaced by G.
Protein change: p.Lys1903Glu; replaces lysine 1903 with glutamic acid.
Molecular consequence: missense variant.
Genome position (GRCh38, 1-based): chr17:17,809,437, A>G. VCF-style: chr17-17809437-A-G. GRCh37 (hg19) VCF-style: chr17-17712751-A-G.
Other names: short protein forms K1903E.
Identifiers: ClinVar variation 2819761 (VCV002819761.3), dbSNP rs2543660526, ClinGen allele CA398560333.